The following is an entry in ClinVar:

ClinVar aggregate classification (germline): Pathogenic (1 of 4 stars; one submission).

Conditions:
Duchenne muscular dystrophy (DMD). Also called: MUSCULAR DYSTROPHY, PSEUDOHYPERTROPHIC PROGRESSIVE, DUCHENNE TYPE; Duchenne Muscular Dystrophy (DMD). Identifiers: Orphanet 98896, MedGen C0013264, MONDO:0010679, OMIM 310200.

Submission:

Labcorp Genetics (formerly Invitae), Labcorp
Classification: Pathogenic for Duchenne muscular dystrophy. Last evaluated: 2024-01-22. Review status: criteria provided, single submitter. Criteria: Invitae Variant Classification Sherloc (09022015). Collection method: clinical testing. Allele origin: unknown.
Comment: This variant is a gross deletion of the genomic region encompassing exon(s) 10-34 of the DMD gene. This variant would be expected to be in-frame, preserving the integrity of the reading frame. A similar copy number variant has been observed in individual(s) with Duchenne muscular dystrophy (PMID: 22776072, 23453023). This variant disrupts a region of the DMD protein in which other variant(s) (Deletion (Exon 13)) have been determined to be pathogenic (PMID: 18353051, 22379338, 28116794, 28610567). This suggests that this is a clinically significant region of the protein, and that variants that disrupt it are likely to be disease-causing. For these reasons, this variant has been classified as Pathogenic.

Literature cited by the submitters: PubMed 22776072; PubMed 23453023; PubMed 18353051; PubMed 22379338; PubMed 28116794; PubMed 28610567.

NC_000023.10:g.(?_32398607)_(32669194_?)del

Gene: DMD (dystrophin; minus strand). Cytogenetic location: Xp21.1.
Variant type: Deletion.
Identifiers: ClinVar variation 3243824 (VCV003243824.1).